The following is an entry in ClinVar:

NM_001077365.2(POMT1):c.169C>T (p.Gln57Ter)

Gene: POMT1 (protein O-mannosyltransferase 1; plus strand). Cytogenetic location: 9q34.13.
Variant type: single nucleotide variant.
Coding change: c.169C>T on transcript NM_001077365.2 (MANE Select); coding-DNA position 169, C replaced by T.
Protein change: p.Gln57Ter; replaces glutamine 57 with a stop codon.
Molecular consequence: nonsense. On other transcripts: non-coding transcript variant (7), intron variant (8).
Genome position (GRCh38, 1-based): chr9:131,506,160, C>T. VCF-style: chr9-131506160-C-T. GRCh37 (hg19) VCF-style: chr9-134381547-C-T.
Other names: c.169C>T, p.Gln57Ter (NM_007171.4, NM_001136113.2, NM_001353193.2 and 1 more transcripts); c.-71-1208C>T (NM_001374691.1, NM_001374692.1); c.123-243C>T (NM_001353196.2); c.-122-243C>T (NM_001353195.2, NM_001136114.2, NM_001353199.2); c.-30+1820C>T (NM_001374695.1); c.7C>T, p.Gln3Ter (NM_001077366.2, NM_001353194.2, NM_001353197.2 and 3 more transcripts); c.-80-243C>T (NM_001353200.2); short protein forms Q3*, Q57*.
Identifiers: ClinVar variation 978656 (VCV000978656.4), dbSNP rs1945766589, ClinGen allele CA375305638.
Genomic context (GRCh38, chr9:131,506,160, plus strand): 5'-GTTTTTTTTTCTAGTTTTGACGAAGTATATTATGGGCAGTACATCTCTTTTTACATGAAA[C>T]AAATCTTCTTCTTGGATGACAGTGGGCCGCCATTTGGCCACATGGTGCTGGCCTTGGGAG-3'

ClinVar aggregate classification (germline): Pathogenic. Review status: criteria provided, multiple submitters, no conflicts (2 of 4 stars). 2 submissions from 2 submitters: Pathogenic (2). Last evaluated 2023-04-04.

Conditions:
Autosomal recessive limb-girdle muscular dystrophy type 2K. Also called: MUSCULAR DYSTROPHY-DYSTROGLYCANOPATHY (LIMB-GIRDLE), TYPE C, 1; MUSCULAR DYSTROPHY, LIMB-GIRDLE, TYPE 2K. Identifiers: Orphanet 86812, MedGen C1836373, MONDO:0012248, OMIM 609308.
Walker-Warburg congenital muscular dystrophy. Also called: Muscular dystrophy-dystroglycanopathy, type A; Walker-Warburg syndrome. Identifiers: Orphanet 899, MedGen C0265221, MONDO:0000171.
Muscular dystrophy-dystroglycanopathy (congenital with impaired intellectual development), type B, 1. Also called: Muscular dystrophy-dystroglycanopathy (congenital with intellectual disability), type B1; MUSCULAR DYSTROPHY, CONGENITAL, POMT1-RELATED. Identifiers: MedGen C5436962, MONDO:0013159, OMIM 613155.
Dysgenesis of the cerebellar vermis. Identifiers: MedGen C4025719, HP:0002195.

Submissions (2):

Labcorp Genetics (formerly Invitae), Labcorp
Classification: Pathogenic for Muscular dystrophy-dystroglycanopathy (congenital with impaired intellectual development), type B, 1; Walker-Warburg congenital muscular dystrophy; Autosomal recessive limb-girdle muscular dystrophy type 2K. Last evaluated: 2023-04-04. Review status: criteria provided, single submitter. Criteria: Invitae Variant Classification Sherloc (09022015). Collection method: clinical testing. Allele origin: germline.
Comment: For these reasons, this variant has been classified as Pathogenic. Algorithms developed to predict the effect of sequence changes on RNA splicing suggest that this variant may disrupt the consensus splice site. ClinVar contains an entry for this variant (Variation ID: 978656). This premature translational stop signal has been observed in individual(s) with clinical features of muscular dystrophy-dystroglycanopathy (PMID: 31680349). This variant is not present in population databases (gnomAD no frequency). This sequence change creates a premature translational stop signal (p.Gln57*) in the POMT1 gene. It is expected to result in an absent or disrupted protein product. Loss-of-function variants in POMT1 are known to be pathogenic (PMID: 12369018, 15637732, 16575835).

Center for Reproductive Medicine, Peking University Third Hospital
Classification: Pathogenic for Dysgenesis of the cerebellar vermis. Last evaluated: 2019-10-16. Review status: criteria provided, single submitter. Criteria: ACMG Guidelines, 2015. Collection method: clinical testing. Allele origin: germline. Affected: yes.

Literature cited by the submitters: PubMed 31680349 (cited by Labcorp Genetics (formerly Invitae), Labcorp and Center for Reproductive Medicine, Peking University Third Hospital); PubMed 12369018 (cited by Labcorp Genetics (formerly Invitae), Labcorp); PubMed 15637732 (cited by Labcorp Genetics (formerly Invitae), Labcorp); PubMed 16575835 (cited by Labcorp Genetics (formerly Invitae), Labcorp); PubMed 28815891 (cited by Center for Reproductive Medicine, Peking University Third Hospital).